The following is an entry in ClinVar:

NM_001377.3(DYNC2H1):c.11383-588_11468del

Gene: DYNC2H1 (dynein cytoplasmic 2 heavy chain 1; plus strand). Cytogenetic location: 11q22.3.
Variant type: Deletion.
Coding change: c.11383-588_11468del on transcript NM_001377.3 (MANE Select); 588 bases into the intron before coding-DNA position 11383 through coding-DNA position 11468, 674 bases deleted.
Molecular consequence: splice acceptor variant.
Genome position (GRCh38, 1-based): chr11:103,307,133-103,307,806, 674 bases deleted. GRCh37 (hg19): chr11:103,177,862-103,178,535.
Other names: c.11404-588_11489del (NM_001080463.2).
Identifiers: ClinVar variation 4733645 (VCV004733645.1).

ClinVar aggregate classification (germline): Likely pathogenic (1 of 4 stars; one submission).

Conditions:
Jeune thoracic dystrophy. Also called: Short-rib thoracic dysplasia; Jeune syndrome; Infantile thoracic dystrophy; Thoracic pelvic phalangeal dystrophy; Jeune's syndrome; Chondroectodermal dysplasia-like syndrome. Identifiers: Orphanet 474, MedGen C0265275, MONDO:0018770.

Submission:

Labcorp Genetics (formerly Invitae), Labcorp
Classification: Likely pathogenic for Jeune thoracic dystrophy. Last evaluated: 2025-12-19. Review status: criteria provided, single submitter. Criteria: Invitae Variant Classification Sherloc (09022015). Collection method: clinical testing. Allele origin: germline.
Comment: This variant results in the deletion of part of exon 79 (c.11404-588_11489del) of the DYNC2H1 gene. It is expected to disrupt RNA splicing. Variants that disrupt the donor or acceptor splice site typically lead to a loss of protein function (PMID: 16199547), and loss-of-function variants in DYNC2H1 are known to be pathogenic (PMID: 23339108, 32753734, 33755199). This variant is not present in population databases (gnomAD no frequency). This variant has not been reported in the literature in individuals affected with DYNC2H1-related conditions. This variant disrupts a region of the DYNC2H1 protein in which other variant(s) (p.Arg3813His) have been observed in individuals with DYNC2H1-related conditions (PMID: 25492405). This suggests that this is a clinically significant region of the protein, and that variants that disrupt it are likely to be disease-causing. In summary, the currently available evidence indicates that the variant is pathogenic, but additional data are needed to prove that conclusively. Therefore, this variant has been classified as Likely Pathogenic.

Literature cited by the submitters: PubMed 16199547; PubMed 23339108; PubMed 32753734; PubMed 33755199; PubMed 25492405.